The following is an entry in ClinVar:

ClinVar aggregate classification (germline): Likely benign (1 of 4 stars; one submission).

Allele frequency attached by ClinVar (database versions not stated): gnomAD 0.00001; TOPMed 0.00002; gnomAD exomes 0.00003; ExAC 0.00009; ESP Exome Variant Server 0.00009.
gnomAD v4.1: 43 of 1,551,298 alleles (0.0028%); highest among the groups gnomAD compares: Middle Eastern, 0.033%; no homozygotes.

Submission:

CeGaT Center for Human Genetics Tuebingen
Classification: Likely benign. Last evaluated: 2022-11-01. Review status: criteria provided, single submitter. Criteria: CeGaT Center For Human Genetics Tuebingen Variant Classification Criteria Version 2. Collection method: clinical testing. Allele origin: germline. Affected: yes. Observed: 1 variant allele.
Comment: KMT2B: BP4

NM_014727.3(KMT2B):c.1154C>T (p.Ala385Val)

Gene: KMT2B (lysine methyltransferase 2B; plus strand). Cytogenetic location: 19q13.12.
Variant type: single nucleotide variant.
Coding change: c.1154C>T on transcript NM_014727.3 (MANE Select); coding-DNA position 1154, C replaced by T.
Protein change: p.Ala385Val; replaces alanine 385 with valine.
Molecular consequence: missense variant.
Genome position (GRCh38, 1-based): chr19:35,720,501, C>T. VCF-style: chr19-35720501-C-T. GRCh37 (hg19) VCF-style: chr19-36211403-C-T.
Other names: short protein forms A385V.
Identifiers: ClinVar variation 2649730 (VCV002649730.24), dbSNP rs369601563, ClinGen allele CA9384188.